The following is an entry in ClinVar:

NM_014822.4(SEC24D):c.541C>T (p.Pro181Ser)

Gene: SEC24D (SEC24 homolog D, COPII component; minus strand). Cytogenetic location: 4q26.
Variant type: single nucleotide variant.
Coding change: c.541C>T on transcript NM_014822.4 (MANE Select); coding-DNA position 541, C replaced by T.
Protein change: p.Pro181Ser; replaces proline 181 with serine.
Molecular consequence: missense variant.
Genome position (GRCh38, 1-based): chr4:118,815,583, G>A on the plus strand (C>T on the coding strand, the complement: SEC24D is on the minus strand). VCF-style: chr4-118815583-G-A. GRCh37 (hg19) VCF-style: chr4-119736738-G-A.
Other names: c.541C>T, p.Pro181Ser (NM_001318066.2); short protein forms P181S.
Identifiers: ClinVar variation 1363577 (VCV001363577.8), dbSNP rs1385815567, ClinGen allele CA358015621.

ClinVar aggregate classification (germline): Uncertain significance (1 of 4 stars; one submission).

Allele frequency attached by ClinVar (database versions not stated): gnomAD exomes 0.00001; TOPMed 0.00001; gnomAD 0.00002 and 0.00003.
gnomAD v4.1: 19 of 1,614,104 alleles (0.0012%); highest among the groups gnomAD compares: Admixed American, 0.0017%; no homozygotes.

Submission:

Labcorp Genetics (formerly Invitae), Labcorp
Classification: Uncertain significance. Last evaluated: 2021-07-14. Review status: criteria provided, single submitter. Criteria: Invitae Variant Classification Sherloc (09022015). Collection method: clinical testing. Allele origin: germline.
Comment: In summary, the available evidence is currently insufficient to determine the role of this variant in disease. Therefore, it has been classified as a Variant of Uncertain Significance. This sequence change replaces proline with serine at codon 181 of the SEC24D protein (p.Pro181Ser). The proline residue is weakly conserved and there is a moderate physicochemical difference between proline and serine. This variant is not present in population databases (ExAC no frequency). This variant has not been reported in the literature in individuals affected with SEC24D-related conditions. Algorithms developed to predict the effect of missense changes on protein structure and function are either unavailable or do not agree on the potential impact of this missense change (SIFT: "Not Available"; PolyPhen-2: "Benign"; Align-GVGD: "Not Available").